The following is an entry in ClinVar:

NM_004208.4(AIFM1):c.193G>A (p.Asp65Asn)

Genes: AIFM1 (apoptosis inducing factor mitochondria associated 1; minus strand), RAB33A (RAB33A, member RAS oncogene family; plus strand). Cytogenetic location: Xq26.1.
Variant type: single nucleotide variant.
Coding change: c.193G>A on transcript NM_004208.4 (MANE Select); coding-DNA position 193, G replaced by A.
Protein change: p.Asp65Asn; replaces aspartic acid 65 with asparagine.
Molecular consequence: missense variant. On other transcripts: intron variant (1).
Genome position (GRCh38, 1-based): chrX:130,156,517, C>T on the plus strand (G>A on the coding strand, the complement: AIFM1 is on the minus strand). VCF-style: chrX-130156517-C-T. GRCh37 (hg19) VCF-style: chrX-129290491-C-T.
Other names: c.193G>A, p.Asp65Asn (NM_001130847.4); c.107-1231G>A (NM_145812.3); short protein forms D65N.
Identifiers: ClinVar variation 3761808 (VCV003761808.2).

ClinVar aggregate classification (germline): Uncertain significance (1 of 4 stars; one submission).

Conditions:
Combined oxidative phosphorylation deficiency. Identifiers: MedGen C4540031, MONDO:0000732.
Charcot-Marie-Tooth Neuropathy X. Identifiers: MedGen CN118851.

gnomAD v4.1: 3 of 1,209,860 alleles (0.00025%); highest among the groups gnomAD compares: African/African-American, 0.0017%; no homozygotes.

Submission:

Labcorp Genetics (formerly Invitae), Labcorp
Classification: Uncertain significance for Charcot-Marie-Tooth Neuropathy X; Combined oxidative phosphorylation deficiency. Last evaluated: 2024-05-23. Review status: criteria provided, single submitter. Criteria: Invitae Variant Classification Sherloc (09022015). Collection method: clinical testing. Allele origin: germline.
Comment: This sequence change replaces aspartic acid, which is acidic and polar, with asparagine, which is neutral and polar, at codon 65 of the AIFM1 protein (p.Asp65Asn). This variant is not present in population databases (gnomAD no frequency). This variant has not been reported in the literature in individuals affected with AIFM1-related conditions. Advanced modeling of protein sequence and biophysical properties (such as structural, functional, and spatial information, amino acid conservation, physicochemical variation, residue mobility, and thermodynamic stability) performed at Invitae indicates that this missense variant is not expected to disrupt AIFM1 protein function with a negative predictive value of 80%. In summary, the available evidence is currently insufficient to determine the role of this variant in disease. Therefore, it has been classified as a Variant of Uncertain Significance.